The following is an entry in ClinVar:

NM_001111125.3(IQSEC2):c.837C>T (p.Ser279=)

Gene: IQSEC2 (IQ motif and Sec7 domain ArfGEF 2; minus strand). Cytogenetic location: Xp11.22.
Variant type: single nucleotide variant.
Coding change: c.837C>T on transcript NM_001111125.3 (MANE Select); coding-DNA position 837, C replaced by T.
Protein change: p.Ser279=; no amino-acid change (serine 279 retained).
Molecular consequence: synonymous variant.
Genome position (GRCh38, 1-based): chrX:53,255,962, G>A on the plus strand (C>T on the coding strand, the complement: IQSEC2 is on the minus strand). VCF-style: chrX-53255962-G-A. GRCh37 (hg19) VCF-style: chrX-53285144-G-A.
Other names: c.222C>T, p.Ser74= (NM_015075.2).
Identifiers: ClinVar variation 384172 (VCV000384172.15), dbSNP rs374638286, ClinGen allele CA10420137.
Genomic context (GRCh38, chrX:53,255,962, plus strand): 5'-CTGGAGGCGTGCCCGCTGAGCCCAGGGAAGGCCCACTCCAGCAGGGGGGCCCCCCATGTG[G>A]CTGCTGGAGGGGGGCAGCTGGCTCAGCCGGTAGGGGGGTTGGCTCCCAGGACTATCAACC-3'
Protein context (NP_001104595.1, residues 269-289): YRLSQLPPSS[Ser279=]HMGGPPAGVG

ClinVar aggregate classification (germline): Likely benign. Review status: criteria provided, multiple submitters, no conflicts (2 of 4 stars). 4 submissions from 4 submitters: Likely benign (4). Last evaluated 2026-04-01.

Conditions:
Intellectual developmental disorder, X-linked 1. Also called: Intellectual disability, X-linked 1; Atkin Flaitz Patil Smith syndrome; MENTAL RETARDATION, X-LINKED 18; MENTAL RETARDATION, X-LINKED 78. Identifiers: Orphanet 777, MedGen C2931498, MONDO:0010656, OMIM 309530.

Allele frequency attached by ClinVar (database versions not stated): gnomAD exomes 0.00005 and 0.00015; 1000 Genomes Project 0.00026; ESP Exome Variant Server 0.00039; TOPMed 0.00048; gnomAD 0.00049 and 0.00043; ExAC 0.00023; 1000 Genomes Project 30x 0.00042.
gnomAD v4.1: 107 of 1,193,434 alleles (0.009%); highest among the groups gnomAD compares: African/African-American, 0.13%; no homozygotes.

Submissions (4):

CeGaT Center for Human Genetics Tuebingen
Classification: Likely benign. Last evaluated: 2026-04-01. Review status: criteria provided, single submitter. Criteria: CeGaT Center For Human Genetics Tuebingen Variant Classification Criteria Version 2. Collection method: clinical testing. Allele origin: germline. Affected: yes. Observed: 1 variant allele.
Comment: IQSEC2: BP4, BS2

Labcorp Genetics (formerly Invitae), Labcorp
Classification: Likely benign for Intellectual developmental disorder, X-linked 1. Last evaluated: 2025-11-15. Review status: criteria provided, single submitter. Criteria: Invitae Variant Classification Sherloc (09022015). Collection method: clinical testing. Allele origin: germline.

Fulgent Genetics
Classification: Likely benign for Intellectual developmental disorder, X-linked 1. Last evaluated: 2021-09-02. Review status: criteria provided, single submitter. Criteria: ACMG Guidelines, 2015. Collection method: clinical testing. Allele origin: unknown.

GeneDx
Classification: Likely benign. Last evaluated: 2018-01-02. Review status: criteria provided, single submitter. Criteria: GeneDx Variant Classification (06012015). Collection method: clinical testing. Allele origin: germline. Affected: yes.
Comment: This variant is considered likely benign or benign based on one or more of the following criteria: it is a conservative change, it occurs at a poorly conserved position in the protein, it is predicted to be benign by multiple in silico algorithms, and/or has population frequency not consistent with disease.